The following is an entry in ClinVar:

ClinVar aggregate classification (germline): Conflicting classifications of pathogenicity. Review status: criteria provided, conflicting classifications (1 of 4 stars). 5 submissions from 5 submitters: Likely pathogenic (1); Uncertain significance (4). Last evaluated 2025-07-01.

Conditions:
RYR1-related disorder. Also called: RYR1-related condition; RYR1-related disorders. Identifiers: MedGen CN239331.
Congenital multicore myopathy with external ophthalmoplegia (CMYO1B). Also called: Congenital myopathy 1B, autosomal recessive; Minicore myopathy; Minicore myopathy with external ophthalmoplegia; MULTICORE MYOPATHY; MULTIMINICORE DISEASE WITH EXTERNAL OPHTHALMOPLEGIA. Identifiers: Orphanet 598, Orphanet 98905, MedGen C1850674, MONDO:0009712, OMIM 255320, HP:0003789.
Malignant hyperthermia, susceptibility to, 1 (MHS1). Also called: Anesthesia related hyperthermia; Malignant hyperpyrexia; Fulminating hyperpyrexia; Pharmacogenic myopathy; Malignant hyperthermia suceptibility 1; RYR1-Related Malignant Hyperthermia Susceptibility. Identifiers: Orphanet 423, MedGen C2930980, MONDO:0007783, OMIM 145600.

gnomAD v4.1: 1 of 1,611,950 alleles (0.000062%); highest among the groups gnomAD compares: Non-Finnish European, 0.000085%; no homozygotes.

Submissions (5):

Color Diagnostics, LLC DBA Color Health
Classification: Uncertain significance for Malignant hyperthermia, susceptibility to, 1. Last evaluated: 2025-07-01. Review status: criteria provided, single submitter. Criteria: ACMG Guidelines, 2015. Collection method: clinical testing. Allele origin: germline.
Comment: This missense variant replaces cysteine with tryptophan at codon 1685 of the RYR1 protein. Computational prediction suggests that this variant may have deleterious impact on protein structure and function. To our knowledge, functional studies have not been reported for this variant. This variant has not been reported in individuals affected with autosomal dominant malignant hyperthermia in the literature, although it is associated with other phenotype(s) (ClinVar Variation ID: 953638). This variant has not been identified in the general population by the Genome Aggregation Database (gnomAD). Due to insufficient evidence, this variant is classified as a Variant of Uncertain Significance for autosomal dominant malignant hyperthermia.

Dasa
Classification: Uncertain significance for Congenital multicore myopathy with external ophthalmoplegia. Last evaluated: 2025-06-04. Review status: criteria provided, single submitter. Criteria: DASA Assertion Criteria. Collection method: clinical testing. Allele origin: germline.
Comment: NM_000540.3(RYR1):c.5055C>G (p.Cys1685Trp) is a missense variant that results in the substitution of cysteine with tryptophan. This variant has been observed in affected individuals with RYR1-related disorders. Also, this variant is rare in population databases. Computational prediction algorithms are consistent with a deleterious effect. The currently available literature and clinical evidence are not sufficient to establish a definitive association between this variant and the reported condition. Therefore, this variant is classified as a variant of uncertain significance.

Labcorp Genetics (formerly Invitae), Labcorp
Classification: Likely pathogenic for RYR1-related disorder. Last evaluated: 2025-01-30. Review status: criteria provided, single submitter. Criteria: Invitae Variant Classification Sherloc (09022015). Collection method: clinical testing. Allele origin: germline.
Comment: This sequence change replaces cysteine, which is neutral and slightly polar, with tryptophan, which is neutral and slightly polar, at codon 1685 of the RYR1 protein (p.Cys1685Trp). This variant is not present in population databases (gnomAD no frequency). This missense change has been observed in individual(s) with clinical features of autosomal recessive RYR1-related myopathy (internal data). In at least one individual the data is consistent with being in trans (on the opposite chromosome) from a pathogenic variant. ClinVar contains an entry for this variant (Variation ID: 953638). Invitae Evidence Modeling of protein sequence and biophysical properties (such as structural, functional, and spatial information, amino acid conservation, physicochemical variation, residue mobility, and thermodynamic stability) indicates that this missense variant is expected to disrupt RYR1 protein function with a positive predictive value of 80%. In summary, the currently available evidence indicates that the variant is pathogenic, but additional data are needed to prove that conclusively. Therefore, this variant has been classified as Likely Pathogenic.

Blueprint Genetics
Classification: Uncertain significance. Last evaluated: 2022-11-21. Review status: criteria provided, single submitter. Criteria: ACMG Guidelines, 2015. Collection method: clinical testing. Allele origin: germline.

Laboratorio de Genetica e Diagnostico Molecular, Hospital Israelita Albert Einstein
Classification: Uncertain significance for Congenital multicore myopathy with external ophthalmoplegia. Last evaluated: 2022-11-04. Review status: criteria provided, single submitter. Criteria: ACMG Guidelines, 2015. Collection method: clinical testing. Allele origin: germline. Affected: yes. Observed: 1 variant allele.
Comment: ACMG classification criteria: PM2 moderated, PM3 supporting, PP3 supporting

NM_000540.3(RYR1):c.5055C>G (p.Cys1685Trp)

Gene: RYR1 (ryanodine receptor 1; plus strand). Cytogenetic location: 19q13.2.
Variant type: single nucleotide variant.
Coding change: c.5055C>G on transcript NM_000540.3 (MANE Select); coding-DNA position 5055, C replaced by G.
Protein change: p.Cys1685Trp; replaces cysteine 1685 with tryptophan.
Molecular consequence: missense variant.
Genome position (GRCh38, 1-based): chr19:38,485,710, C>G. VCF-style: chr19-38485710-C-G. GRCh37 (hg19) VCF-style: chr19-38976350-C-G.
Other names: c.5055C>G, p.Cys1685Trp (NM_001042723.2); short protein forms C1685W.
Identifiers: ClinVar variation 953638 (VCV000953638.11), dbSNP rs761393058, ClinGen allele CA405653420.